The following is an entry in ClinVar:

ClinVar aggregate classification (germline): Conflicting classifications of pathogenicity. Review status: criteria provided, conflicting classifications (1 of 4 stars). 3 submissions from 3 submitters: Likely pathogenic (1); Uncertain significance (2). Last evaluated 2023-02-05.

Conditions:
Hereditary spherocytosis type 4. Also called: SLC4A1-Related Spherocytosis. Identifiers: Orphanet 822, MedGen C2675212, MONDO:0012981, OMIM 612653.

gnomAD v4.1: 28 of 1,614,040 alleles (0.0017%); highest among the groups gnomAD compares: East Asian, 0.022%; no homozygotes.

Submissions (3):

GeneDx
Classification: Uncertain significance. Last evaluated: 2023-02-05. Review status: criteria provided, single submitter. Criteria: GeneDx Variant Classification Process June 2021. Collection method: clinical testing. Allele origin: germline. Affected: yes.
Comment: In silico analysis supports that this missense variant has a deleterious effect on protein structure/function; This variant is associated with the following publications: (PMID: 36203343)

Labcorp Genetics (formerly Invitae), Labcorp
Classification: Uncertain significance. Last evaluated: 2022-12-29. Review status: criteria provided, single submitter. Criteria: Invitae Variant Classification Sherloc (09022015). Collection method: clinical testing. Allele origin: germline.
Comment: This sequence change replaces arginine, which is basic and polar, with cysteine, which is neutral and slightly polar, at codon 111 of the SLC4A1 protein (p.Arg111Cys). This variant is present in population databases (rs13306774, gnomAD 0.02%). This variant has not been reported in the literature in individuals affected with SLC4A1-related conditions. ClinVar contains an entry for this variant (Variation ID: 1676954). Advanced modeling of protein sequence and biophysical properties (such as structural, functional, and spatial information, amino acid conservation, physicochemical variation, residue mobility, and thermodynamic stability) performed at Invitae indicates that this missense variant is not expected to disrupt SLC4A1 protein function. In summary, the available evidence is currently insufficient to determine the role of this variant in disease. Therefore, it has been classified as a Variant of Uncertain Significance.

Jiangsu Institute of Hematology, the First Affiliated Hospital of Soochow University
Classification: Likely pathogenic for Hereditary spherocytosis type 4. Last evaluated: 2022-03-01. Review status: criteria provided, single submitter. Criteria: ACMG Guidelines, 2015. Collection method: research. Allele origin: inherited. Affected: yes.

NM_000342.4(SLC4A1):c.331C>T (p.Arg111Cys)

Gene: SLC4A1 (solute carrier family 4 member 1 (Diego blood group); minus strand). Cytogenetic location: 17q21.31.
Variant type: single nucleotide variant.
Coding change: c.331C>T on transcript NM_000342.4 (MANE Select); coding-DNA position 331, C replaced by T.
Protein change: p.Arg111Cys; replaces arginine 111 with cysteine.
Molecular consequence: missense variant.
Genome position (GRCh38, 1-based): chr17:44,260,653, G>A on the plus strand (C>T on the coding strand, the complement: SLC4A1 is on the minus strand). VCF-style: chr17-44260653-G-A. GRCh37 (hg19) VCF-style: chr17-42338021-G-A.
Other names: short protein forms R111C.
Identifiers: ClinVar variation 1676954 (VCV001676954.7), dbSNP rs13306774, ClinGen allele CA8600642.